The following is an entry in ClinVar:

NM_201384.3(PLEC):c.2261C>G (p.Ser754Cys)

Gene: PLEC (plectin; minus strand). Cytogenetic location: 8q24.3.
Variant type: single nucleotide variant.
Coding change: c.2261C>G on transcript NM_201384.3 (MANE Select); coding-DNA position 2261, C replaced by G.
Protein change: p.Ser754Cys; replaces serine 754 with cysteine.
Molecular consequence: missense variant.
Genome position (GRCh38, 1-based): chr8:143,931,577, G>C on the plus strand (C>G on the coding strand, the complement: PLEC is on the minus strand). VCF-style: chr8-143931577-G-C. GRCh37 (hg19) VCF-style: chr8-145005745-G-C.
Other names: c.2342C>G, p.Ser781Cys (NM_000445.5, NM_001410941.1); c.2219C>G, p.Ser740Cys (NM_201378.4); c.2195C>G, p.Ser732Cys (NM_201379.3); c.2672C>G, p.Ser891Cys (NM_201380.4); c.2165C>G, p.Ser722Cys (NM_201381.3); c.2261C>G, p.Ser754Cys (NM_201382.4); c.2273C>G, p.Ser758Cys (NM_201383.3); short protein forms S754C, S740C, S891C, S722C, S781C, S732C, S758C.
Identifiers: ClinVar variation 2069764 (VCV002069764.4), dbSNP rs1201359437, ClinGen allele CA372576273.

ClinVar aggregate classification (germline): Uncertain significance (1 of 4 stars; one submission).

Conditions:
Epidermolysis bullosa simplex 5B, with muscular dystrophy (EBS5B). Also called: EPIDERMOLYSIS BULLOSA SIMPLEX AND LIMB-GIRDLE MUSCULAR DYSTROPHY; Epidermolysis bullosa simplex with muscular dystrophy. Identifiers: Orphanet 257, MedGen C2931072, MONDO:0009181, OMIM 226670.
Epidermolysis bullosa simplex 5C, with pyloric atresia (EBS5C). Also called: Epidermolysis bullosa simplex with pyloric atresia; PLEC-Related Epidermolysis Bullosa with Pyloric Atresia; PLEC1-Related Epidermolysis Bullosa with Pyloric Atresia. Identifiers: Orphanet 158684, MedGen C2677349, MONDO:0012807, OMIM 612138.
Epidermolysis bullosa simplex with nail dystrophy (EBS5D). Identifiers: MedGen C4225309, MONDO:0014661, OMIM 616487.
Autosomal recessive limb-girdle muscular dystrophy type 2Q (LGMDR17). Also called: MUSCULAR DYSTROPHY, LIMB-GIRDLE, AUTOSOMAL RECESSIVE 17. Identifiers: Orphanet 254361, MedGen C3150989, MONDO:0013390, OMIM 613723.
Epidermolysis bullosa simplex, Ogna type (EBS5A). Also called: Pidermolysis bullosa simplex 5A, Ogna type; EPIDERMOLYSIS BULLOSA SIMPLEX 5A, OGNA TYPE. Identifiers: Orphanet 79401, MedGen C0432317, MONDO:0007555, OMIM 131950.

Allele frequency attached by ClinVar (database versions not stated): gnomAD exomes below 0.00001.
gnomAD v4.1: 1 of 1,597,968 alleles (0.000063%); highest among the groups gnomAD compares: Admixed American, 0.0017%; no homozygotes.

Submission:

Labcorp Genetics (formerly Invitae), Labcorp
Classification: Uncertain significance for Autosomal recessive limb-girdle muscular dystrophy type 2Q; Epidermolysis bullosa simplex, Ogna type; Epidermolysis bullosa simplex with nail dystrophy; Epidermolysis bullosa simplex 5C, with pyloric atresia; Epidermolysis bullosa simplex 5B, with muscular dystrophy. Last evaluated: 2022-08-09. Review status: criteria provided, single submitter. Criteria: Invitae Variant Classification Sherloc (09022015). Collection method: clinical testing. Allele origin: germline.
Comment: In summary, the available evidence is currently insufficient to determine the role of this variant in disease. Therefore, it has been classified as a Variant of Uncertain Significance. Algorithms developed to predict the effect of missense changes on protein structure and function are either unavailable or do not agree on the potential impact of this missense change (SIFT: "Deleterious"; PolyPhen-2: "Not Available"; Align-GVGD: "Class C25"). This variant has not been reported in the literature in individuals affected with PLEC-related conditions. This variant is not present in population databases (gnomAD no frequency). This sequence change replaces serine, which is neutral and polar, with cysteine, which is neutral and slightly polar, at codon 781 of the PLEC protein (p.Ser781Cys).